The following is an entry in ClinVar:

NM_000455.5(STK11):c.449T>A (p.Val150Glu)

Gene: STK11 (serine/threonine kinase 11; plus strand). Cytogenetic location: 19p13.3.
Variant type: single nucleotide variant.
Coding change: c.449T>A on transcript NM_000455.5 (MANE Select); coding-DNA position 449, T replaced by A.
Protein change: p.Val150Glu; replaces valine 150 with glutamic acid.
Molecular consequence: missense variant.
Genome position (GRCh38, 1-based): chr19:1,219,398, T>A. VCF-style: chr19-1219398-T-A. GRCh37 (hg19) VCF-style: chr19-1219397-T-A.
Other names: short protein forms V150E.
Identifiers: ClinVar variation 582180 (VCV000582180.8), dbSNP rs587781802, ClinGen allele CA402948356.
Genomic context (GRCh38, chr19:1,219,398, plus strand): 5'-AGTACTGCGTGTGTGGCATGCAGGAAATGCTGGACAGCGTGCCGGAGAAGCGTTTCCCAG[T>A]GTGCCAGGCCCACGGGTGCGTGCGCGGGGCAGGGGCCAGGGTGGGGCGGGGGCCGGGGGC-3'
Protein context (NP_000446.1, residues 140-160): LDSVPEKRFP[Val150Glu]CQAHGYFCQL

ClinVar aggregate classification (germline): Uncertain significance (1 of 4 stars; one submission).

Conditions:
Peutz-Jeghers syndrome (PJS). Also called: POLYPOSIS, HAMARTOMATOUS INTESTINAL; POLYPS-AND-SPOTS SYNDROME; Peutz-Jeghers polyposis; Periorificial lentiginosis syndrome. Identifiers: Orphanet 2869, MedGen C0031269, MeSH D010580, MONDO:0008280, OMIM 175200.

Submission:

Labcorp Genetics (formerly Invitae), Labcorp
Classification: Uncertain significance for Peutz-Jeghers syndrome. Last evaluated: 2018-05-03. Review status: criteria provided, single submitter. Criteria: Invitae Variant Classification Sherloc (09022015). Collection method: clinical testing. Allele origin: germline.
Comment: In summary, the available evidence is currently insufficient to determine the role of this variant in disease. Therefore, it has been classified as a Variant of Uncertain Significance. Algorithms developed to predict the effect of missense changes on protein structure and function do not agree on the potential impact of this missense change (SIFT: "Deleterious"; PolyPhen-2: "Benign"; Align-GVGD: "Class C35"). This variant has not been reported in the literature in individuals with STK11-related disease. This variant is not present in population databases (ExAC no frequency). This sequence change replaces valine with glutamic acid at codon 150 of the STK11 protein (p.Val150Glu). The valine residue is highly conserved and there is a moderate physicochemical difference between valine and glutamic acid.